The following is an entry in ClinVar:

NM_170754.4(TNS2):c.1768C>T (p.Arg590Cys)

Gene: TNS2 (tensin 2; plus strand). Cytogenetic location: 12q13.13.
Variant type: single nucleotide variant.
Coding change: c.1768C>T on transcript NM_170754.4 (MANE Select); coding-DNA position 1768, C replaced by T.
Protein change: p.Arg590Cys; replaces arginine 590 with cysteine.
Molecular consequence: missense variant.
Genome position (GRCh38, 1-based): chr12:53,059,409, C>T. VCF-style: chr12-53059409-C-T. GRCh37 (hg19) VCF-style: chr12-53453193-C-T.
Other names: c.1768C>T, p.Arg590Cys (NM_001416202.1); c.1726C>T, p.Arg576Cys (NM_001416203.1); c.1795C>T, p.Arg599Cys (NM_001416204.1); c.1699C>T, p.Arg567Cys (NM_015319.3); c.1396C>T, p.Arg466Cys (NM_198316.2); short protein forms R466C, R599C, R567C, R590C, R576C.
Identifiers: ClinVar variation 2598890 (VCV002598890.5), dbSNP rs751994581, ClinGen allele CA6592446.

ClinVar aggregate classification (germline): Uncertain significance. Review status: criteria provided, multiple submitters, no conflicts (2 of 4 stars). 2 submissions from 2 submitters: Uncertain significance (2). Last evaluated 2025-10-24.

Allele frequency attached by ClinVar (database versions not stated): gnomAD exomes 0.00001; TOPMed 0.00001.

Submissions (2):

Labcorp Genetics (formerly Invitae), Labcorp
Classification: Uncertain significance. Last evaluated: 2025-10-24. Review status: criteria provided, single submitter. Criteria: Invitae Variant Classification Sherloc (09022015). Collection method: clinical testing. Allele origin: germline.
Comment: This sequence change replaces arginine, which is basic and polar, with cysteine, which is neutral and slightly polar, at codon 600 of the TNS2 protein (p.Arg600Cys). This variant is present in population databases (rs751994581, gnomAD 0.02%). This variant has not been reported in the literature in individuals affected with TNS2-related conditions. ClinVar contains an entry for this variant (Variation ID: 2598890). An algorithm developed to predict the effect of missense changes on protein structure and function (PolyPhen-2) suggests that this variant is likely to be disruptive. In summary, the available evidence is currently insufficient to determine the role of this variant in disease. Therefore, it has been classified as a Variant of Uncertain Significance.

Ambry Genetics
Classification: Uncertain significance. Last evaluated: 2023-07-12. Review status: criteria provided, single submitter. Criteria: Ambry Variant Classification Scheme 2023. Collection method: clinical testing. Allele origin: germline.